The following is an entry in ClinVar:

ClinVar aggregate classification (germline): Pathogenic/Likely pathogenic. Review status: criteria provided, multiple submitters, no conflicts (2 of 4 stars). 3 submissions from 2 submitters: Pathogenic (2); Likely pathogenic (1). Last evaluated 2024-05-10.

Conditions:
Moderate global developmental delay. Identifiers: MedGen C2237142, HP:0011343.
Atypical behavior. Also called: Behavioral abnormality; Behavioral disorders. Identifiers: MedGen C0004941, HP:0000708.
Aplasia/Hypoplasia of the corpus callosum. Identifiers: MedGen C1861866, HP:0007370.
Seizure. Also called: Seizures. Identifiers: MedGen C0036572, HP:0001250.

Submissions (3):

GeneDx
Classification: Pathogenic. Last evaluated: 2024-05-10. Review status: criteria provided, single submitter. Criteria: GeneDx Variant Classification Process June 2021. Collection method: clinical testing. Allele origin: germline.
Comment: Not observed at significant frequency in large population cohorts (gnomAD); In silico analysis supports that this missense variant has a deleterious effect on protein structure/function; This variant is associated with the following publications: (PMID: 24896178)

Equipe Genetique des Anomalies du Developpement, Université de Bourgogne
Classification: Likely pathogenic for Moderate global developmental delay. Last evaluated: 2017-03-16. Review status: criteria provided, single submitter. Criteria: ACMG Guidelines, 2015. Collection method: clinical testing. Allele origin: de novo. Affected: yes. Observed: 1 variant allele.

Equipe Genetique des Anomalies du Developpement, Université de Bourgogne
Classification: Pathogenic for Aplasia/Hypoplasia of the corpus callosum; Moderate global developmental delay; Seizure; Atypical behavior. Last evaluated: 2016-10-13. Review status: criteria provided, single submitter. Criteria: ACMG Guidelines, 2015. Collection method: clinical testing. Allele origin: de novo. Affected: yes.

NM_006593.4(TBR1):c.1118A>G (p.Gln373Arg)

Gene: TBR1 (T-box brain transcription factor 1; plus strand). Cytogenetic location: 2q24.2.
Variant type: single nucleotide variant.
Coding change: c.1118A>G on transcript NM_006593.4 (MANE Select); coding-DNA position 1118, A replaced by G.
Protein change: p.Gln373Arg; replaces glutamine 373 with arginine.
Molecular consequence: missense variant.
Genome position (GRCh38, 1-based): chr2:161,419,040, A>G. VCF-style: chr2-161419040-A-G. GRCh37 (hg19) VCF-style: chr2-162275551-A-G.
Other names: short protein forms Q373R.
Identifiers: ClinVar variation 523679 (VCV000523679.4), dbSNP rs1553510492, ClinGen allele CA349212991.